The following is an entry in ClinVar:

ClinVar aggregate classification (germline): Benign. Review status: criteria provided, single submitter (1 of 4 stars). 2 submissions from 2 submitters: Benign (1). 1 of the submissions does not count toward it. Last evaluated 2026-08-07.

Conditions:
POLQ-related disorder. Also called: POLQ-related condition.
Familial cancer of breast. Also called: hereditary breast carcinoma; BREAST CANCER, FAMILIAL; Hereditary breast cancer. Identifiers: Orphanet 227535, MedGen C0346153, MONDO:0016419, OMIM 114480. Disease mechanism: loss of function.

Allele frequency attached by ClinVar (database versions not stated): gnomAD exomes 0.06365; 1000 Genomes Project 0.08287; 1000 Genomes Project 30x 0.08557; gnomAD 0.09879; TOPMed 0.10341; ESP Exome Variant Server 0.11041; ExAC 0.06535.
gnomAD v4.1: 108,039 of 1,613,052 alleles (6.7%); highest among the groups gnomAD compares: African/African-American, 20%; 4,726 homozygotes.

Submissions (2):

Genomic Medicine Laboratory, Hospital de Clinicas de Porto Alegre
Classification: Benign for Familial cancer of breast. Last evaluated: 2026-08-07. Review status: criteria provided, single submitter. Criteria: ACGS UK Practice Guidelines For Variant Classification V12 2024. Collection method: research. Allele origin: germline. Affected: yes. Observed: 1 variant allele.
Comment: BA1: Allele frequency is above 5%

PreventionGenetics, part of Exact Sciences
Classification: Benign for POLQ-related condition. Last evaluated: 2019-10-28. Review status: no assertion criteria provided. Collection method: clinical testing. Allele origin: germline. Not counted in ClinVar's aggregate classification.
Comment: This variant is classified as benign based on ACMG/AMP sequence variant interpretation guidelines (Richards et al. 2015 PMID: 25741868, with internal and published modifications).

NM_199420.4(POLQ):c.1742C>T (p.Ala581Val)

Gene: POLQ (DNA polymerase theta; minus strand). Cytogenetic location: 3q13.33.
Variant type: single nucleotide variant.
Coding change: c.1742C>T on transcript NM_199420.4 (MANE Select); coding-DNA position 1742, C replaced by T.
Protein change: p.Ala581Val; replaces alanine 581 with valine.
Molecular consequence: missense variant.
Genome position (GRCh38, 1-based): chr3:121,510,113, G>A on the plus strand (C>T on the coding strand, the complement: POLQ is on the minus strand). VCF-style: chr3-121510113-G-A. GRCh37 (hg19) VCF-style: chr3-121228960-G-A.
Other names: short protein forms A581V.
Identifiers: ClinVar variation 3056620 (VCV003056620.3), dbSNP rs487848, ClinGen allele CA2563462.